The following is an entry in ClinVar:

NM_001042492.3(NF1):c.7455_7456dup (p.Arg2486fs)

Gene: NF1 (neurofibromin 1; plus strand). Cytogenetic location: 17q11.2.
Variant type: Microsatellite.
Coding change: c.7455_7456dup on transcript NM_001042492.3 (MANE Select); coding-DNA positions 7455 to 7456, 2 bases duplicated (TA; older notation c.7455_7456dupTA).
Protein change: p.Arg2486fs; shifts the reading frame from arginine 2486.
Molecular consequence: frameshift variant.
Genome position (GRCh38, 1-based): chr17:31,350,316-31,350,317, TA duplicated; duplicating any 2 consecutive bases within chr17:31,350,314-31,350,317 gives the same sequence; the c. name uses the placement nearest the transcript's 3' end. VCF-style (leftmost placement, unchanged base first): chr17-31350313-C-CTA. GRCh37 (hg19) VCF-style: chr17-29677331-C-CTA.
Other names: c.7390_7391TA[3], p.Arg2465Ilefs (NM_000267.4); c.7392_7393dupTA (NM_000267.3); short protein forms R2465fs, R2486fs.
Identifiers: ClinVar variation 1389026 (VCV001389026.7), dbSNP rs2151574678, ClinGen allele CA2580612874.

ClinVar aggregate classification (germline): Pathogenic. Review status: criteria provided, multiple submitters, no conflicts (2 of 4 stars). 2 submissions from 2 submitters: Pathogenic (2). Last evaluated 2024-10-17.

Conditions:
Cardiovascular phenotype. Identifiers: MedGen CN230736.
Hereditary cancer-predisposing syndrome. Also called: Hereditary neoplastic syndrome; Neoplastic Syndromes, Hereditary; Hereditary Cancer Syndrome; Tumor predisposition. Identifiers: Orphanet 140162, MedGen C0027672, MeSH D009386, MONDO:0015356.
Neurofibromatosis, type 1 (NF1). Also called: VON RECKLINGHAUSEN DISEASE; Neurofibromatosis, type I; NEUROFIBROMATOSIS, TYPE I, SOMATIC; Peripheral type neurofibromatosis. Identifiers: Orphanet 636, MedGen C0027831, MONDO:0018975, OMIM 162200. Disease mechanism: loss of function.

Submissions (2):

Ambry Genetics
Classification: Pathogenic for Cardiovascular phenotype; Hereditary cancer-predisposing syndrome. Last evaluated: 2024-10-17. Review status: criteria provided, single submitter. Criteria: Ambry Variant Classification Scheme 2023. Collection method: clinical testing. Allele origin: germline.
Comment: The c.7392_7393dupTA pathogenic mutation, located in coding exon 49 of the NF1 gene, results from a duplication of TA at nucleotide position 7392, causing a translational frameshift with a predicted alternate stop codon (p.R2465Ifs*4). This variant is considered to be rare based on population cohorts in the Genome Aggregation Database (gnomAD). This alteration is expected to result in loss of function by premature protein truncation or nonsense-mediated mRNA decay. As such, this alteration is interpreted as a disease-causing mutation.

Labcorp Genetics (formerly Invitae), Labcorp
Classification: Pathogenic for Neurofibromatosis, type 1. Last evaluated: 2020-11-25. Review status: criteria provided, single submitter. Criteria: Invitae Variant Classification Sherloc (09022015). Collection method: clinical testing. Allele origin: germline.
Comment: This sequence change creates a premature translational stop signal (p.Arg2465Ilefs*4) in the NF1 gene. It is expected to result in an absent or disrupted protein product. Loss-of-function variants in NF1 are known to be pathogenic (PMID: 10712197, 23913538). This variant is not present in population databases (ExAC no frequency). This variant has not been reported in the literature in individuals with NF1-related conditions. For these reasons, this variant has been classified as Pathogenic.

Literature cited by the submitters: PubMed 10712197 (cited by Labcorp Genetics (formerly Invitae), Labcorp); PubMed 23913538 (cited by Labcorp Genetics (formerly Invitae), Labcorp).